The following is an entry in ClinVar:

ClinVar aggregate classification (germline): Uncertain significance (1 of 4 stars; one submission).

Conditions:
Fanconi anemia (FA). Also called: Fanconi's anemia. Identifiers: Orphanet 84, MedGen C0015625, MeSH D005199, MONDO:0019391.

Submissions (2):

Labcorp Genetics (formerly Invitae), Labcorp
Classification: Uncertain significance for Fanconi anemia. Last evaluated: 2021-12-09. Review status: criteria provided, single submitter. Criteria: Invitae Variant Classification Sherloc (09022015). Collection method: clinical testing. Allele origin: germline.
Comment: In summary, the available evidence is currently insufficient to determine the role of this variant in disease. Therefore, it has been classified as a Variant of Uncertain Significance. Variants that disrupt the consensus splice site are a relatively common cause of aberrant splicing (PMID: 17576681, 9536098). Algorithms developed to predict the effect of sequence changes on RNA splicing suggest that this variant may disrupt the consensus splice site. This variant has not been reported in the literature in individuals affected with FANCA-related conditions. This variant is not present in population databases (gnomAD no frequency). This sequence change falls in intron 19 of the FANCA gene. It does not directly change the encoded amino acid sequence of the FANCA protein. It affects a nucleotide within the consensus splice site.

Dr. Peter K. Rogan Lab, Western University
No classification provided (evidence only). Condition: Colon adenocarcinoma. Review status: no classification provided. Collection method: in vitro. Allele origin: not applicable. Functional consequence: skipped exon, retained intron. Not counted in ClinVar's aggregate classification.

Literature cited by the submitters: PubMed 17576681 (cited by Labcorp Genetics (formerly Invitae), Labcorp); PubMed 9536098 (cited by Labcorp Genetics (formerly Invitae), Labcorp).

NM_000135.4(FANCA):c.1776+5G>A

Gene: FANCA (FA complementation group A; minus strand). Cytogenetic location: 16q24.3.
Variant type: single nucleotide variant.
Coding change: c.1776+5G>A on transcript NM_000135.4 (MANE Select); 5 bases into the intron after coding-DNA position 1776, G replaced by A.
Molecular consequence: intron variant.
Genome position (GRCh38, 1-based): chr16:89,778,938, C>T on the plus strand (G>A on the coding strand, the complement: FANCA is on the minus strand). VCF-style: chr16-89778938-C-T. GRCh37 (hg19) VCF-style: chr16-89845346-C-T.
Other names: c.1776+5G>A (NM_001286167.3).
Identifiers: ClinVar variation 2038849 (VCV002038849.5), dbSNP rs2544227138, ClinGen allele CA2580092321.
Genomic context (GRCh38, chr16:89,778,938, plus strand): 5'-GACTGACAAGGAAAGTCCTTGCTTTCTACACAACTGGTCACAAACTCATGGAGACGCATA[C>T]TGACCACTCGAGGTGTGAGCAGGGCGGGGAGGAAGTGGGACACGTAGTAAGGCCTCCTGA-3'